The following is an entry in ClinVar:

NM_016006.6(ABHD5):c.202T>C (p.Phe68Leu)

Gene: ABHD5 (abhydrolase domain containing 5, lysophosphatidic acid acyltransferase; plus strand). Cytogenetic location: 3p21.33.
Variant type: single nucleotide variant.
Coding change: c.202T>C on transcript NM_016006.6 (MANE Select); coding-DNA position 202, T replaced by C.
Protein change: p.Phe68Leu; replaces phenylalanine 68 with leucine.
Molecular consequence: missense variant. On other transcripts: non-coding transcript variant (1).
Genome position (GRCh38, 1-based): chr3:43,702,283, T>C. VCF-style: chr3-43702283-T-C. GRCh37 (hg19) VCF-style: chr3-43743775-T-C.
Other names: p.Phe68Leu; c.202T>C, p.Phe68Leu (NM_001355186.2, NM_001365650.1); c.79T>C, p.Phe27Leu (NM_001365649.1); short protein forms F27L, F68L.
Identifiers: ClinVar variation 716845 (VCV000716845.17), dbSNP rs115209685, ClinGen allele CA2341298.

ClinVar aggregate classification (germline): Benign/Likely benign. Review status: criteria provided, multiple submitters, no conflicts (2 of 4 stars). 6 submissions from 6 submitters: Benign (4); Likely benign (1). 1 of the submissions does not count toward it. Last evaluated 2026-01-21.

Conditions:
ABHD5-related disorder. Also called: ABHD5-related condition.
Triglyceride storage disease with ichthyosis (CDS). Also called: Dorfman-Chanarin disease; ICHTHYOSIFORM ERYTHRODERMA WITH LEUKOCYTE VACUOLATION; Chanarin-Dorfman Syndrome; TRIGLYCERIDE STORAGE DISEASE WITH IMPAIRED LONG-CHAIN FATTY ACID OXIDATION. Identifiers: Orphanet 98907, MedGen C0268238, MONDO:0010155, OMIM 275630.

Allele frequency attached by ClinVar (database versions not stated): gnomAD exomes 0.00037 and 0.00108; ExAC 0.00147; 1000 Genomes Project 30x 0.00344; 1000 Genomes Project 0.00399; gnomAD 0.00430 and 0.00474; TOPMed 0.00521; ESP Exome Variant Server 0.00554.
gnomAD v4.1: 1,231 of 1,601,420 alleles (0.077%); highest among the groups gnomAD compares: African/African-American, 1.5%; 8 homozygotes.

Submissions (6):

Labcorp Genetics (formerly Invitae), Labcorp
Classification: Benign. Last evaluated: 2026-01-21. Review status: criteria provided, single submitter. Criteria: Invitae Variant Classification Sherloc (09022015). Collection method: clinical testing. Allele origin: germline.

Blueprint Genetics
Classification: Likely benign. Last evaluated: 2024-10-02. Review status: criteria provided, single submitter. Criteria: ACMG Guidelines, 2015. Collection method: clinical testing. Allele origin: germline.

Mayo Clinic Laboratories, Mayo Clinic
Classification: Benign. Last evaluated: 2022-09-27. Review status: criteria provided, single submitter. Criteria: ACMG Guidelines, 2015. Collection method: clinical testing. Allele origin: germline. Observed: 7 variant alleles.
Comment: BS1, BS2

Illumina Laboratory Services, Illumina
Classification: Benign for Triglyceride storage disease with ichthyosis. Last evaluated: 2018-01-13. Review status: criteria provided, single submitter. Criteria: ICSL Variant Classification Criteria 13 December 2019. Collection method: clinical testing. Allele origin: germline.
Comment: This variant was observed in the ICSL laboratory as part of a predisposition screen in an ostensibly healthy population. It had not been previously curated by ICSL or reported in the Human Gene Mutation Database (HGMD: prior to June 1st, 2018), and was therefore a candidate for classification through an automated scoring system. Utilizing variant allele frequency, disease prevalence and penetrance estimates, and inheritance mode, an automated score was calculated to assess if this variant is too frequent to cause the disease. Based on the score and internal cut-off values, a variant classified as benign is not then subjected to further curation. The score for this variant resulted in a classification of benign for this disease.

Breakthrough Genomics
Classification: Benign. Review status: criteria provided, single submitter. Criteria: ACMG Guidelines, 2015. Collection method: not provided. Allele origin: germline. Inheritance: Autosomal recessive inheritance. Affected: yes.

PreventionGenetics, part of Exact Sciences
Classification: Benign for ABHD5-related condition. Last evaluated: 2021-08-11. Review status: no assertion criteria provided. Collection method: clinical testing. Allele origin: germline. Not counted in ClinVar's aggregate classification.
Comment: This variant is classified as benign based on ACMG/AMP sequence variant interpretation guidelines (Richards et al. 2015 PMID: 25741868, with internal and published modifications).